The following is an entry in ClinVar:

ClinVar aggregate classification (germline): Uncertain significance (1 of 4 stars; one submission).

Conditions:
Ataxia-telangiectasia syndrome (AT). Also called: Cerebello-oculocutaneous telangiectasia; Immunodeficiency with ataxia telangiectasia; AT, COMPLEMENTATION GROUP C; Ataxia-telangiectasia, complementation group E; LOUIS-BAR SYNDROME; ATAXIA-TELANGIECTASIA, COMPLEMENTATION GROUP A. Identifiers: Orphanet 100, MedGen C0004135, MONDO:0008840, OMIM 208900.

Submission:

Labcorp Genetics (formerly Invitae), Labcorp
Classification: Uncertain significance for Ataxia-telangiectasia syndrome. Last evaluated: 2021-07-25. Review status: criteria provided, single submitter. Criteria: Invitae Variant Classification Sherloc (09022015). Collection method: clinical testing. Allele origin: germline.
Comment: This variant is not present in population databases (ExAC no frequency). This sequence change replaces glycine with valine at codon 1613 of the ATM protein (p.Gly1613Val). The glycine residue is highly conserved and there is a moderate physicochemical difference between glycine and valine. This variant has not been reported in the literature in individuals affected with ATM-related conditions. In summary, the available evidence is currently insufficient to determine the role of this variant in disease. Therefore, it has been classified as a Variant of Uncertain Significance. Advanced modeling of protein sequence and biophysical properties (such as structural, functional, and spatial information, amino acid conservation, physicochemical variation, residue mobility, and thermodynamic stability) performed at Invitae indicates that this missense variant is not expected to disrupt ATM protein function.

NM_000051.4(ATM):c.4838G>T (p.Gly1613Val)

Gene: ATM (ATM serine/threonine kinase; plus strand). Cytogenetic location: 11q22.3.
Variant type: single nucleotide variant.
Coding change: c.4838G>T on transcript NM_000051.4 (MANE Select); coding-DNA position 4838, G replaced by T.
Protein change: p.Gly1613Val; replaces glycine 1613 with valine.
Molecular consequence: missense variant.
Genome position (GRCh38, 1-based): chr11:108,294,988, G>T. VCF-style: chr11-108294988-G-T. GRCh37 (hg19) VCF-style: chr11-108165715-G-T.
Other names: c.4838G>T, p.Gly1613Val (NM_001351834.2); short protein forms G1613V.
Identifiers: ClinVar variation 1369771 (VCV001369771.8), dbSNP rs2083038889, ClinGen allele CA382536848.
Genomic context (GRCh38, chr11:108,294,988, plus strand): 5'-AAATTAACCATTTTCTCTCAGTAAGTGTTTATGATGCACTTCCATTGACAAGACTTGAAG[G>T]ACTAAAGGATCTTCGAAGACAACTGGAACTACATAAAGATCAGATGGTGGACATTATGAG-3'
Protein context (NP_000042.3, residues 1603-1623): YDALPLTRLE[Gly1613Val]LKDLRRQLEL